The following is an entry in ClinVar:

ClinVar aggregate classification (germline): Likely benign (0 of 4 stars; one submission).

Conditions:
PIGP-related disorder. Also called: PIGP-related condition.

Allele frequency attached by ClinVar (database versions not stated): gnomAD exomes 0.00003; TOPMed 0.00003; ExAC 0.00004; gnomAD 0.00005; ESP Exome Variant Server 0.00008.

Submission:

PreventionGenetics, part of Exact Sciences
Classification: Likely benign for PIGP-related condition. Last evaluated: 2019-07-12. Review status: no assertion criteria provided. Collection method: clinical testing. Allele origin: germline.
Comment: This variant is classified as likely benign based on ACMG/AMP sequence variant interpretation guidelines (Richards et al. 2015 PMID: 25741868, with internal and published modifications).

NM_153682.3(PIGP):c.-22-57T>C

Genes: PIGP (phosphatidylinositol glycan anchor biosynthesis class P; minus strand), LOC130066643 (ATAC-STARR-seq lymphoblastoid silent region 13296; plus strand). Cytogenetic location: 21q22.13.
Variant type: single nucleotide variant.
Coding change: c.-22-57T>C on transcript NM_153682.3 (MANE Select); 57 bases into the intron before 22 bases upstream of the start codon, T replaced by C.
Molecular consequence: intron variant. On other transcripts: 5 prime UTR variant (1).
Genome position (GRCh38, 1-based): chr21:37,072,594, A>G on the plus strand (T>C on the coding strand, the complement: PIGP is on the minus strand). VCF-style: chr21-37072594-A-G. GRCh37 (hg19) VCF-style: chr21-38444894-A-G.
Other names: c.-7T>C (NM_153681.2); c.-266-57T>C (NM_016430.4); c.-22-57T>C (NM_001320480.2).
Identifiers: ClinVar variation 3049906 (VCV003049906.2), dbSNP rs372889492, ClinGen allele CA10021212.